The following is an entry in ClinVar:

NM_020975.6(RET):c.2074G>A (p.Ala692Thr)

Gene: RET (ret proto-oncogene; plus strand). Cytogenetic location: 10q11.21.
Variant type: single nucleotide variant.
Coding change: c.2074G>A on transcript NM_020975.6 (MANE Select); coding-DNA position 2074, G replaced by A.
Protein change: p.Ala692Thr; replaces alanine 692 with threonine.
Molecular consequence: missense variant.
Genome position (GRCh38, 1-based): chr10:43,114,674, G>A. VCF-style: chr10-43114674-G-A. GRCh37 (hg19) VCF-style: chr10-43610122-G-A.
Other names: c.625G>A, p.Ala209Thr (NM_001406793.1, NM_001406794.1, NM_001406792.1); c.2074G>A, p.Ala692Thr (NM_020630.7, NM_001406743.1, NM_001406744.1 and 2 more transcripts); c.1945G>A, p.Ala649Thr (NM_001406761.1, NM_001406762.1, NM_001406764.1); c.1939G>A, p.Ala647Thr (NM_001406763.1, NM_001406765.1); c.1786G>A, p.Ala596Thr (NM_001406766.1, NM_001406767.1, NM_001406770.1); c.1810G>A, p.Ala604Thr (NM_001406768.1); c.1678G>A, p.Ala560Thr (NM_001406769.1, NM_001406772.1); c.1177G>A, p.Ala393Thr (NM_001406780.1, NM_001406781.1, NM_001406782.1 and 1 more transcripts); and 10 more; short protein forms A297T, A348T, A350T, A450T, A546T, A596T, A604T, A647T.
Identifiers: ClinVar variation 3658247 (VCV003658247.2).
Genomic context (GRCh38, chr10:43,114,674, plus strand): 5'-GCTGAGATGACCTTCCGGAGGCCCGCCCAGGCCTTCCCGGTCAGCTACTCCTCTTCCGGT[G>A]CCCGCCGGCCCTCGCTGGACTCCATGGAGAACCAGGTCTCCGTGGATGCCTTCAAGATCC-3'
Protein context (NP_066124.1, residues 682-702): AFPVSYSSSG[Ala692Thr]RRPSLDSMEN

ClinVar aggregate classification (germline): Uncertain significance (1 of 4 stars; one submission).

Conditions:
Multiple endocrine neoplasia, type 2 (MEN2). Identifiers: Orphanet 653, MedGen C4048306, MONDO:0019003. Disease mechanism: gain of function.

Submission:

Labcorp Genetics (formerly Invitae), Labcorp
Classification: Uncertain significance for Multiple endocrine neoplasia, type 2. Last evaluated: 2024-06-30. Review status: criteria provided, single submitter. Criteria: Invitae Variant Classification Sherloc (09022015). Collection method: clinical testing. Allele origin: germline.
Comment: This sequence change replaces alanine, which is neutral and non-polar, with threonine, which is neutral and polar, at codon 692 of the RET protein (p.Ala692Thr). This variant is not present in population databases (gnomAD no frequency). This variant has not been reported in the literature in individuals affected with RET-related conditions. Algorithms developed to predict the effect of missense changes on protein structure and function output the following: SIFT: "Not Available"; PolyPhen-2: "Benign"; Align-GVGD: "Not Available". The threonine amino acid residue is found in multiple mammalian species, which suggests that this missense change does not adversely affect protein function. In summary, the available evidence is currently insufficient to determine the role of this variant in disease. Therefore, it has been classified as a Variant of Uncertain Significance.